The following is an entry in ClinVar:

ClinVar aggregate classification (germline): Uncertain significance. Review status: criteria provided, multiple submitters, no conflicts (2 of 4 stars). 3 submissions from 3 submitters: Uncertain significance (3). Last evaluated 2025-08-14.

Conditions:
Fraser syndrome 2 (FRASRS2). Identifiers: MedGen C4540036, MONDO:0054738, OMIM 617666.
Isolated cryptophthalmia. Also called: Cryptophthalmos, unilateral or bilateral, isolated; ANKYLOBLEPHARON, SIMPLE. Identifiers: Orphanet 91396, MedGen C1852453, MONDO:0007410, OMIM 123570.

Allele frequency attached by ClinVar (database versions not stated): gnomAD exomes 0.00003 and 0.00008; gnomAD 0.00004 and 0.00005; TOPMed 0.00005; ExAC 0.00007; 1000 Genomes Project 30x 0.00016; 1000 Genomes Project 0.00020.
gnomAD v4.1: 44 of 1,614,088 alleles (0.0027%); highest among the groups gnomAD compares: East Asian, 0.042%; no homozygotes.

Submissions (3):

GeneDx
Classification: Uncertain significance. Last evaluated: 2025-08-14. Review status: criteria provided, single submitter. Criteria: GeneDx Variant Classification Process June 2021. Collection method: clinical testing. Allele origin: germline. Affected: yes.
Comment: In silico analysis supports that this missense variant has a deleterious effect on protein structure/function; Has not been previously published as pathogenic or benign to our knowledge

Fulgent Genetics
Classification: Uncertain significance for Isolated cryptophthalmia; Fraser syndrome 2. Last evaluated: 2022-01-19. Review status: criteria provided, single submitter. Criteria: ACMG Guidelines, 2015. Collection method: clinical testing. Allele origin: unknown.

Illumina Laboratory Services, Illumina
Classification: Uncertain significance for Fraser syndrome 2. Last evaluated: 2018-01-13. Review status: criteria provided, single submitter. Criteria: ICSL Variant Classification Criteria 13 December 2019. Collection method: clinical testing. Allele origin: germline.

NM_207361.6(FREM2):c.3254T>C (p.Ile1085Thr)

Gene: FREM2 (FRAS1 related extracellular matrix 2; plus strand). Cytogenetic location: 13q13.3.
Variant type: single nucleotide variant.
Coding change: c.3254T>C on transcript NM_207361.6 (MANE Select); coding-DNA position 3254, T replaced by C.
Protein change: p.Ile1085Thr; replaces isoleucine 1085 with threonine.
Molecular consequence: missense variant.
Genome position (GRCh38, 1-based): chr13:38,690,598, T>C. VCF-style: chr13-38690598-T-C. GRCh37 (hg19) VCF-style: chr13-39264735-T-C.
Other names: short protein forms I1085T.
Identifiers: ClinVar variation 311963 (VCV000311963.7), dbSNP rs183068418, ClinGen allele CA6954765.